The following is an entry in ClinVar:

NM_005359.6(SMAD4):c.787+9A>C

Gene: SMAD4 (SMAD family member 4; plus strand). Cytogenetic location: 18q21.2.
Variant type: single nucleotide variant.
Coding change: c.787+9A>C on transcript NM_005359.6 (MANE Select); 9 bases into the intron after coding-DNA position 787, A replaced by C.
Molecular consequence: intron variant.
Genome position (GRCh38, 1-based): chr18:51,058,253, A>C. VCF-style: chr18-51058253-A-C. GRCh37 (hg19) VCF-style: chr18-48584623-A-C.
Other names: c.787+9A>C (NM_001407042.1, NM_001407041.1, NM_001407043.1).
Identifiers: ClinVar variation 3639060 (VCV003639060.3).

ClinVar aggregate classification (germline): Likely benign. Review status: criteria provided, multiple submitters, no conflicts (2 of 4 stars). 2 submissions from 2 submitters: Likely benign (2). Last evaluated 2025-03-20.

Conditions:
Juvenile polyposis/hereditary hemorrhagic telangiectasia syndrome (JPHT). Also called: JP/HHT SYNDROME; JUVENILE POLYPOSIS WITH HEREDITARY HEMORRHAGIC TELANGIECTASIA; POLYPOSIS, GENERALIZED JUVENILE, WITH PULMONARY ARTERIOVENOUS MALFORMATION; TELANGIECTASIA, HEREDITARY HEMORRHAGIC, WITH JUVENILE POLYPOSIS COLI; Juvenile Polyposis Syndrome / Hereditary Hemorrhagic Telangiectasia (JPS/HHT). Identifiers: Orphanet 2929, MedGen C1832942, MONDO:0008278, OMIM 175050.
Juvenile polyposis syndrome (JPS). Identifiers: Orphanet 2929, MedGen C0345893, MONDO:0017380, OMIM 174900.

gnomAD v4.1: 1 of 1,611,256 alleles (0.000062%); highest among the groups gnomAD compares: Non-Finnish European, 0.000085%; no homozygotes.

Submissions (2):

Myriad Genetics, Inc.
Classification: Likely benign for Juvenile polyposis/hereditary hemorrhagic telangiectasia syndrome. Last evaluated: 2025-03-20. Review status: criteria provided, single submitter. Criteria: Myriad Autosomal Dominant, Autosomal Recessive and X-Linked Classification Criteria (2023). Collection method: clinical testing. Allele origin: unknown.
Comment: This variant is considered likely benign. This variant is intronic and is not expected to impact mRNA splicing.

Labcorp Genetics (formerly Invitae), Labcorp
Classification: Likely benign for Juvenile polyposis syndrome. Last evaluated: 2024-02-06. Review status: criteria provided, single submitter. Criteria: Invitae Variant Classification Sherloc (09022015). Collection method: clinical testing. Allele origin: germline.